The following is an entry in ClinVar:

NM_001148.6(ANK2):c.6843G>A (p.Thr2281=)

Genes: ANK2 (ankyrin 2; plus strand), LOC126807137 (CDK7 strongly-dependent group 2 enhancer GRCh37_chr4:114276560-114277759; plus strand). Cytogenetic location: 4q26.
Variant type: single nucleotide variant.
Coding change: c.6843G>A on transcript NM_001148.6 (MANE Select); coding-DNA position 6843, G replaced by A.
Protein change: p.Thr2281=; no amino-acid change (threonine 2281 retained).
Molecular consequence: synonymous variant. On other transcripts: intron variant (68).
Genome position (GRCh38, 1-based): chr4:113,355,461, G>A. VCF-style: chr4-113355461-G-A. GRCh37 (hg19) VCF-style: chr4-114276617-G-A.
Other names: c.6609G>A, p.Thr2203= (NM_001386142.1); c.3243G>A, p.Thr1081= (NM_001386166.1); c.6984G>A, p.Thr2328= (NM_001386174.1); c.6960G>A, p.Thr2320= (NM_001386175.1); c.4411+5212G>A (NM_001386186.2, NM_001386148.2); c.4213+5212G>A (NM_001354269.3); c.4291+5212G>A (NM_001386187.2); c.4252+5212G>A (NM_001386147.1); and 36 more.
Identifiers: ClinVar variation 1103305 (VCV001103305.30), dbSNP rs548896674, ClinGen allele CA3051484.

ClinVar aggregate classification (germline): Likely benign. Review status: criteria provided, multiple submitters, no conflicts (2 of 4 stars). 4 submissions from 4 submitters: Likely benign (4). Last evaluated 2026-02-07.

Conditions:
Cardiovascular phenotype. Identifiers: MedGen CN230736.
Long QT syndrome (LQTS). Identifiers: MedGen C0023976, MeSH D008133, MONDO:0002442. Disease mechanism: loss of function. Inheritance: Various modes of inheritance.

Allele frequency attached by ClinVar (database versions not stated): gnomAD 0.00002; gnomAD exomes 0.00002 and 0.00005; ExAC 0.00007; 1000 Genomes Project 30x 0.00016; 1000 Genomes Project 0.00020.
gnomAD v4.1: 40 of 1,613,896 alleles (0.0025%); highest among the groups gnomAD compares: South Asian, 0.033%; 1 homozygote.

Submissions (4):

Ambry Genetics
Classification: Likely benign for Cardiovascular phenotype. Last evaluated: 2026-02-07. Review status: criteria provided, single submitter. Criteria: Ambry Variant Classification Scheme 2023. Collection method: clinical testing. Allele origin: germline.

Labcorp Genetics (formerly Invitae), Labcorp
Classification: Likely benign for Long QT syndrome. Last evaluated: 2025-05-17. Review status: criteria provided, single submitter. Criteria: Invitae Variant Classification Sherloc (09022015). Collection method: clinical testing. Allele origin: germline.

Blueprint Genetics
Classification: Likely benign. Last evaluated: 2024-11-11. Review status: criteria provided, single submitter. Criteria: ACMG Guidelines, 2015. Collection method: clinical testing. Allele origin: germline.

CeGaT Center for Human Genetics Tuebingen
Classification: Likely benign. Last evaluated: 2024-01-01. Review status: criteria provided, single submitter. Criteria: CeGaT Center For Human Genetics Tuebingen Variant Classification Criteria Version 2. Collection method: clinical testing. Allele origin: germline. Affected: yes. Observed: 1 variant allele.
Comment: ANK2: BP4, BP7